The following is an entry in ClinVar:

ClinVar aggregate classification (germline): Uncertain significance (1 of 4 stars; one submission).

Submission:

Labcorp Genetics (formerly Invitae), Labcorp
Classification: Uncertain significance. Last evaluated: 2020-10-09. Review status: criteria provided, single submitter. Criteria: Invitae Variant Classification Sherloc (09022015). Collection method: clinical testing. Allele origin: germline.
Comment: In summary, the available evidence is currently insufficient to determine the role of this variant in disease. Therefore, it has been classified as a Variant of Uncertain Significance. Experimental studies and prediction algorithms are not available or were not evaluated, and the functional significance of this variant is currently unknown. This variant has not been reported in the literature in individuals with NEDD4L-related conditions. This variant is not present in population databases (ExAC no frequency). This sequence change results in a frameshift in the NEDD4L gene (p.Ala944Profs*108). While this is not anticipated to result in nonsense mediated decay, it is expected to disrupt the last 12 amino acid(s) of the NEDD4L protein and extend the protein by an additional 95 amino acid(s).

NM_001144967.3(NEDD4L):c.2890del (p.Ala964fs)

Gene: NEDD4L (NEDD4 like E3 ubiquitin protein ligase; plus strand). Cytogenetic location: 18q21.31.
Variant type: Deletion.
Coding change: c.2890del on transcript NM_001144967.3 (MANE Select); coding-DNA position 2890, one base deleted (G; older notation c.2890delG).
Protein change: p.Ala964fs; shifts the reading frame from alanine 964.
Molecular consequence: frameshift variant.
Genome position (GRCh38, 1-based): chr18:58,396,231, G deleted; the last of 2 consecutive G bases (chr18:58,396,230-58,396,231); deleting either gives the same sequence. VCF-style (leftmost placement, unchanged base first): chr18-58396229-TG-T. GRCh37 (hg19) VCF-style: chr18-56063461-TG-T.
Other names: c.2527del, p.Ala843fs (NM_001144964.1, NM_001144965.2, NM_001144966.3); c.2866del, p.Ala956fs (NM_001144968.2); c.2806del, p.Ala936fs (NM_001144969.2); c.2467del, p.Ala823fs (NM_001144970.3, NM_001144971.2); c.2698del, p.Ala900fs (NM_001243960.2); c.2830del, p.Ala944fs (NM_015277.6); short protein forms A823fs, A843fs, A900fs, A936fs, A944fs, A956fs, A964fs.
Identifiers: ClinVar variation 1004374 (VCV001004374.6), dbSNP rs2050478920, ClinGen allele CA2306432600.
Genomic context (GRCh38, chr18:58,396,229, plus strand): 5'-TTAATCGCCTTGACTTACCTCCATATGAAACCTTTGAAGATTTACGAGAGAAACTTCTCA[TG>T]GCCGTGGAAAATGCTCAAGGATTTGAAGGGGTGGATTAAGCACCCTGTGCCTCGGGGGTG-3'